The following is an entry in ClinVar:

ClinVar aggregate classification (germline): Uncertain significance (1 of 4 stars; one submission).

Conditions:
Niemann-Pick disease, type C1. Also called: NIEMANN-PICK DISEASE, VARIANT TYPE C1; NEUROVISCERAL STORAGE DISEASE WITH VERTICAL SUPRANUCLEAR OPHTHALMOPLEGIA; NIEMANN-PICK DISEASE WITH CHOLESTEROL ESTERIFICATION BLOCK; NIEMANN-PICK DISEASE WITHOUT SPHINGOMYELINASE DEFICIENCY; NIEMANN-PICK DISEASE, CHRONIC NEURONOPATHIC FORM. Identifiers: Orphanet 646, MedGen C3179455, MONDO:0009757, OMIM 257220.

Allele frequency attached by ClinVar (database versions not stated): gnomAD exomes below 0.00001.
gnomAD v4.1: 2 of 1,614,120 alleles (0.00012%); highest among the groups gnomAD compares: South Asian, 0.0022%; no homozygotes.

Submission:

Labcorp Genetics (formerly Invitae), Labcorp
Classification: Uncertain significance for Niemann-Pick disease, type C1. Last evaluated: 2022-04-10. Review status: criteria provided, single submitter. Criteria: Invitae Variant Classification Sherloc (09022015). Collection method: clinical testing. Allele origin: germline.
Comment: This sequence change replaces asparagine, which is neutral and polar, with serine, which is neutral and polar, at codon 1072 of the NPC1 protein (p.Asn1072Ser). This variant is present in population databases (no rsID available, gnomAD 0.003%). This variant has not been reported in the literature in individuals affected with NPC1-related conditions. Advanced modeling of protein sequence and biophysical properties (such as structural, functional, and spatial information, amino acid conservation, physicochemical variation, residue mobility, and thermodynamic stability) performed at Invitae indicates that this missense variant is not expected to disrupt NPC1 protein function. In summary, the available evidence is currently insufficient to determine the role of this variant in disease. Therefore, it has been classified as a Variant of Uncertain Significance.

NM_000271.5(NPC1):c.3215A>G (p.Asn1072Ser)

Gene: NPC1 (NPC intracellular cholesterol transporter 1; minus strand). Cytogenetic location: 18q11.2.
Variant type: single nucleotide variant.
Coding change: c.3215A>G on transcript NM_000271.5 (MANE Select); coding-DNA position 3215, A replaced by G.
Protein change: p.Asn1072Ser; replaces asparagine 1072 with serine.
Molecular consequence: missense variant.
Genome position (GRCh38, 1-based): chr18:23,536,703, T>C on the plus strand (A>G on the coding strand, the complement: NPC1 is on the minus strand). VCF-style: chr18-23536703-T-C. GRCh37 (hg19) VCF-style: chr18-21116667-T-C.
Other names: short protein forms N1072S.
Identifiers: ClinVar variation 1917911 (VCV001917911.2), dbSNP rs1366505622, ClinGen allele CA401791692.